The following is an entry in ClinVar:

ClinVar aggregate classification (germline): Uncertain significance (1 of 4 stars; one submission).

gnomAD v4.1: 27 of 1,574,598 alleles (0.0017%); highest among the groups gnomAD compares: Admixed American, 0.0034%; no homozygotes.

Submission:

Labcorp Genetics (formerly Invitae), Labcorp
Classification: Uncertain significance. Last evaluated: 2025-01-24. Review status: criteria provided, single submitter. Criteria: Invitae Variant Classification Sherloc (09022015). Collection method: clinical testing. Allele origin: germline.
Comment: This sequence change replaces arginine, which is basic and polar, with glutamine, which is neutral and polar, at codon 40 of the DVL1 protein (p.Arg40Gln). The frequency data for this variant in the population databases is considered unreliable, as metrics indicate poor data quality at this position in the gnomAD database. This variant has not been reported in the literature in individuals affected with DVL1-related conditions. Invitae Evidence Modeling of protein sequence and biophysical properties (such as structural, functional, and spatial information, amino acid conservation, physicochemical variation, residue mobility, and thermodynamic stability) has been performed for this missense variant. However, the output from this modeling did not meet the statistical confidence thresholds required to predict the impact of this variant on DVL1 protein function. In summary, the available evidence is currently insufficient to determine the role of this variant in disease. Therefore, it has been classified as a Variant of Uncertain Significance.

NM_001330311.2(DVL1):c.119G>A (p.Arg40Gln)

Gene: DVL1 (dishevelled segment polarity protein 1; minus strand). Cytogenetic location: 1p36.33.
Variant type: single nucleotide variant.
Coding change: c.119G>A on transcript NM_001330311.2 (MANE Select); coding-DNA position 119, G replaced by A.
Protein change: p.Arg40Gln; replaces arginine 40 with glutamine.
Molecular consequence: missense variant.
Genome position (GRCh38, 1-based): chr1:1,348,947, C>T on the plus strand (G>A on the coding strand, the complement: DVL1 is on the minus strand). VCF-style: chr1-1348947-C-T. GRCh37 (hg19) VCF-style: chr1-1284327-C-T.
Other names: c.119G>A, p.Arg40Gln (NM_004421.3); short protein forms R40Q.
Identifiers: ClinVar variation 3620854 (VCV003620854.2).